The following is an entry in ClinVar:

ClinVar aggregate classification (germline): Benign (1 of 4 stars; one submission).

Conditions:
Dyskeratosis congenita. Identifiers: Orphanet 1775, MedGen C0265965, MONDO:0015780.

Allele frequency attached by ClinVar (database versions not stated): gnomAD 0.00496 and 0.00519; TOPMed 0.00566; 1000 Genomes Project 0.00699; 1000 Genomes Project 30x 0.00781.

Submission:

Illumina Laboratory Services, Illumina
Classification: Benign for Dyskeratosis congenita. Last evaluated: 2018-01-13. Review status: criteria provided, single submitter. Criteria: ICSL Variant Classification Criteria 13 December 2019. Collection method: clinical testing. Allele origin: germline.
Comment: This variant was observed in the ICSL laboratory as part of a predisposition screen in an ostensibly healthy population. It had not been previously curated by ICSL or reported in the Human Gene Mutation Database (HGMD: prior to June 1st, 2018), and was therefore a candidate for classification through an automated scoring system. Utilizing variant allele frequency, disease prevalence and penetrance estimates, and inheritance mode, an automated score was calculated to assess if this variant is too frequent to cause the disease. Based on the score and internal cut-off values, a variant classified as benign is not then subjected to further curation. The score for this variant resulted in a classification of benign for this disease.

NM_025099.6(CTC1):c.*1668G>A

Gene: CTC1 (CST telomere replication complex component 1; minus strand). Cytogenetic location: 17p13.1.
Variant type: single nucleotide variant.
Coding change: c.*1668G>A on transcript NM_025099.6 (MANE Select); 1668 bases downstream of the stop codon, G replaced by A.
Molecular consequence: 3 prime UTR variant. On other transcripts: non-coding transcript variant (1).
Genome position (GRCh38, 1-based): chr17:8,226,512, C>T on the plus strand (G>A on the coding strand, the complement: CTC1 is on the minus strand). VCF-style: chr17-8226512-C-T. GRCh37 (hg19) VCF-style: chr17-8129830-C-T.
Identifiers: ClinVar variation 890403 (VCV000890403.4), dbSNP rs114198389, ClinGen allele CA287527062.
Genomic context (GRCh38, chr17:8,226,512, plus strand): 5'-ATGTCCAAAGACGTTAATCATAGATTTCAAACCAAAATCATAGACTCTAAATCAAATTCT[C>T]GATTCTAGAGTTCCTAGATGAGAGGTTTGGAGGGTGCCGACTGGATCATCCCATCCTGGA-3'